The following is an entry in ClinVar:

ClinVar aggregate classification (germline): Uncertain significance (1 of 4 stars; one submission).

Conditions:
Dilated cardiomyopathy 1O (CMD1O). Also called: CARDIOMYOPATHY, DILATED, WITH VENTRICULAR TACHYCARDIA. Identifiers: Orphanet 154, MedGen C1837839, MONDO:0012062, OMIM 608569.

Submission:

Servicio Canario de Salud, Hospital Universitario Nuestra Sra. de Candelaria
Classification: Uncertain significance for Dilated cardiomyopathy 1O. Last evaluated: 2022-12-07. Review status: criteria provided, single submitter. Criteria: ACMG Guidelines, 2015. Collection method: clinical testing. Allele origin: germline. Inheritance: Autosomal dominant inheritance. Affected: yes. Observed: 1 heterozygote.
Comment: This variant has never been reported in ABCC9 related-disorders. This variant was absent from large population studies (gnomAD no frequency). In addition, the in silico prediction for this alteration is inconclusive and to date there are no functional/experimental studies. In summary, the available evidence for c.454T>G (p.Lys152Val) ABCC9 variant is currently insufficient to determine the role of this variant in disease. Therefore, it has been classified as a Variant of Uncertain Significance.

NM_020297.4(ABCC9):c.454T>G (p.Leu152Val)

Gene: ABCC9 (ATP binding cassette subfamily C member 9; minus strand). Cytogenetic location: 12p12.1.
Variant type: single nucleotide variant.
Coding change: c.454T>G on transcript NM_020297.4 (MANE Select); coding-DNA position 454, T replaced by G.
Protein change: p.Leu152Val; replaces leucine 152 with valine.
Molecular consequence: missense variant. On other transcripts: intron variant (1).
Genome position (GRCh38, 1-based): chr12:21,917,056, A>C on the plus strand (T>G on the coding strand, the complement: ABCC9 is on the minus strand). VCF-style: chr12-21917056-A-C. GRCh37 (hg19) VCF-style: chr12-22069990-A-C.
Other names: c.454T>G, p.Leu152Val (NM_001377273.1, NM_005691.4); c.-48-3990T>G (NM_001377274.1); short protein forms L152V.
Identifiers: ClinVar variation 1803775 (VCV001803775.3), dbSNP rs1415365495, ClinGen allele CA384125744.